The following is an entry in ClinVar:

ClinVar aggregate classification (germline): Benign. Review status: criteria provided, multiple submitters, no conflicts (2 of 4 stars). 2 submissions from 2 submitters: Benign (2). Last evaluated 2018-03-09.

Submissions (2):

GeneDx
Classification: Benign. Last evaluated: 2018-03-09. Review status: criteria provided, single submitter. Criteria: GeneDx Variant Classification (06012015). Collection method: clinical testing. Allele origin: germline. Affected: yes.
Comment: This variant is considered likely benign or benign based on one or more of the following criteria: it is a conservative change, it occurs at a poorly conserved position in the protein, it is predicted to be benign by multiple in silico algorithms, and/or has population frequency not consistent with disease.

Breakthrough Genomics
Classification: Benign. Review status: criteria provided, single submitter. Criteria: ACMG Guidelines, 2015. Collection method: not provided. Allele origin: germline. Inheritance: Unknown mechanism. Affected: yes.

NM_000761.5(CYP1A2):c.1548= (p.Asn516=)

Gene: CYP1A2 (cytochrome P450 family 1 subfamily A member 2; plus strand). Cytogenetic location: 15q24.1.
Variant type: Variation.
Coding change: c.1548= on transcript NM_000761.5 (MANE Select); coding-DNA position 1548, no change from the reference sequence.
Protein change: p.Asn516=; no amino-acid change (asparagine 516 retained).
Molecular consequence: no sequence alteration.
Genome position: GRCh38 VCF-style: chr15-74755085-T-T. GRCh37 (hg19) VCF-style: chr15-75047426-C-T.
Identifiers: ClinVar variation 675798 (VCV000675798.2).